The following is an entry in ClinVar:

NM_001903.5(CTNNA1):c.557A>G (p.Lys186Arg)

Gene: CTNNA1 (catenin alpha 1; plus strand). Cytogenetic location: 5q31.2.
Variant type: single nucleotide variant.
Coding change: c.557A>G on transcript NM_001903.5 (MANE Select); coding-DNA position 557, A replaced by G.
Protein change: p.Lys186Arg; replaces lysine 186 with arginine.
Molecular consequence: missense variant.
Genome position (GRCh38, 1-based): chr5:138,812,271, A>G. VCF-style: chr5-138812271-A-G. GRCh37 (hg19) VCF-style: chr5-138147960-A-G.
Other names: c.557A>G, p.Lys186Arg (NM_001290307.3, NM_001323982.2, NM_001323983.1 and 3 more transcripts); c.248A>G, p.Lys83Arg (NM_001290309.3); c.188A>G, p.Lys63Arg (NM_001290310.3); short protein forms K186R, K63R, K83R.
Identifiers: ClinVar variation 851301 (VCV000851301.10), dbSNP rs1758900291, ClinGen allele CA361125504.

ClinVar aggregate classification (germline): Uncertain significance. Review status: criteria provided, multiple submitters, no conflicts (2 of 4 stars). 2 submissions from 2 submitters: Uncertain significance (2). Last evaluated 2025-09-29.

Conditions:
Hereditary cancer-predisposing syndrome. Also called: Tumor predisposition; Neoplastic Syndromes, Hereditary; Hereditary neoplastic syndrome; Hereditary Cancer Syndrome. Identifiers: Orphanet 140162, MedGen C0027672, MeSH D009386, MONDO:0015356.

Allele frequency attached by ClinVar (database versions not stated): gnomAD exomes 0.00001.
gnomAD v4.1: 6 of 1,613,922 alleles (0.00037%); highest among the groups gnomAD compares: Non-Finnish European, 0.00051%; no homozygotes.

Submissions (2):

Labcorp Genetics (formerly Invitae), Labcorp
Classification: Uncertain significance. Last evaluated: 2025-09-29. Review status: criteria provided, single submitter. Criteria: Invitae Variant Classification Sherloc (09022015). Collection method: clinical testing. Allele origin: germline.
Comment: This sequence change replaces lysine, which is basic and polar, with arginine, which is basic and polar, at codon 186 of the CTNNA1 protein (p.Lys186Arg). This variant is not present in population databases (gnomAD no frequency). This variant has not been reported in the literature in individuals affected with CTNNA1-related conditions. ClinVar contains an entry for this variant (Variation ID: 851301). Invitae Evidence Modeling of protein sequence and biophysical properties (such as structural, functional, and spatial information, amino acid conservation, physicochemical variation, residue mobility, and thermodynamic stability) indicates that this missense variant is not expected to disrupt CTNNA1 protein function with a negative predictive value of 80%. In summary, the available evidence is currently insufficient to determine the role of this variant in disease. Therefore, it has been classified as a Variant of Uncertain Significance.

Ambry Genetics
Classification: Uncertain significance for Hereditary cancer-predisposing syndrome. Last evaluated: 2023-12-06. Review status: criteria provided, single submitter. Criteria: Ambry Variant Classification Scheme 2023. Collection method: clinical testing. Allele origin: germline.
Comment: The p.K186R variant (also known as c.557A>G), located in coding exon 4 of the CTNNA1 gene, results from an A to G substitution at nucleotide position 557. The lysine at codon 186 is replaced by arginine, an amino acid with highly similar properties. This amino acid position is highly conserved in available vertebrate species. In addition, this alteration is predicted to be tolerated by in silico analysis. The evidence for this gene-disease relationship is limited; therefore, the clinical significance of this alteration is unclear.